The following is an entry in ClinVar:

ClinVar aggregate classification (germline): Uncertain significance (1 of 4 stars; one submission).

Allele frequency attached by ClinVar (database versions not stated): ExAC 0.00003; gnomAD 0.00005; ESP Exome Variant Server 0.00008; 1000 Genomes Project 0.00020; TOPMed 0.00003; 1000 Genomes Project 30x 0.00016; gnomAD exomes 0.00004.
gnomAD v4.1: 72 of 1,614,060 alleles (0.0045%); highest among the groups gnomAD compares: Non-Finnish European, 0.0056%; no homozygotes.

Submission:

Labcorp Genetics (formerly Invitae), Labcorp
Classification: Uncertain significance. Last evaluated: 2025-09-04. Review status: criteria provided, single submitter. Criteria: Invitae Variant Classification Sherloc (09022015). Collection method: clinical testing. Allele origin: germline.
Comment: This sequence change replaces asparagine, which is neutral and polar, with serine, which is neutral and polar, at codon 559 of the SORL1 protein (p.Asn559Ser). This variant is present in population databases (rs140058505, gnomAD 0.005%). This variant has not been reported in the literature in individuals affected with SORL1-related conditions. ClinVar contains an entry for this variant (Variation ID: 3023677). An algorithm developed to predict the effect of missense changes on protein structure and function (PolyPhen-2) suggests that this variant is likely to be tolerated. In summary, the available evidence is currently insufficient to determine the role of this variant in disease. Therefore, it has been classified as a Variant of Uncertain Significance.

NM_003105.6(SORL1):c.1676A>G (p.Asn559Ser)

Gene: SORL1 (sortilin related receptor 1; plus strand). Cytogenetic location: 11q24.1.
Variant type: single nucleotide variant.
Coding change: c.1676A>G on transcript NM_003105.6 (MANE Select); coding-DNA position 1676, A replaced by G.
Protein change: p.Asn559Ser; replaces asparagine 559 with serine.
Molecular consequence: missense variant.
Genome position (GRCh38, 1-based): chr11:121,532,543, A>G. VCF-style: chr11-121532543-A-G. GRCh37 (hg19) VCF-style: chr11-121403252-A-G.
Other names: short protein forms N559S.
Identifiers: ClinVar variation 3023677 (VCV003023677.3), dbSNP rs140058505, ClinGen allele CA6328703.
Genomic context (GRCh38, chr11:121,532,543, plus strand): 5'-ACTACACATGGGGAGACCACGGCGGAATCATCACGGCCATTGCCCAGGGCATGGAAACCA[A>G]CGAGCTAAAGTAAGTGTCTCTGATGAGGCCTTTTAACATCAAACTTTCTCCCAGAAATTT-3'
Protein context (NP_003096.2, residues 549-569): ITAIAQGMET[Asn559Ser]ELKYSTNEGE